The following is an entry in ClinVar:

ClinVar aggregate classification (germline): Likely pathogenic (1 of 4 stars; one submission).

Conditions:
Dilated cardiomyopathy 1G (CMD1G). Identifiers: Orphanet 154, MedGen C1858763, MONDO:0011400, OMIM 604145.
Autosomal recessive limb-girdle muscular dystrophy type 2J (LGMDR10). Also called: Limb-girdle muscular dystrophy, type 2J; MUSCULAR DYSTROPHY, LIMB-GIRDLE, AUTOSOMAL RECESSIVE 10. Identifiers: Orphanet 140922, MedGen C1837342, MONDO:0012127, OMIM 608807.

Submission:

Labcorp Genetics (formerly Invitae), Labcorp
Classification: Likely pathogenic for Dilated cardiomyopathy 1G; Autosomal recessive limb-girdle muscular dystrophy type 2J. Last evaluated: 2024-05-12. Review status: criteria provided, single submitter. Criteria: Invitae Variant Classification Sherloc (09022015). Collection method: clinical testing. Allele origin: germline.
Comment: This sequence change creates a premature translational stop signal (p.Pro11005Thrfs*6) in the TTN gene. While this is not anticipated to result in nonsense mediated decay, it is expected to create a truncated TTN protein. This variant is not present in population databases (gnomAD no frequency). This variant has not been reported in the literature in individuals affected with TTN-related conditions. This variant is located in the I band of TTN (PMID: 25589632). Truncating variants in this region have been reported in individuals affected with autosomal recessive centronuclear myopathy (PMID: 23975875, Invitae internal data). Truncating variants in this region have also been identified in individuals affected with autosomal dominant dilated cardiomyopathy and/or cardio-related conditions (PMID: 27869827, 32964742, Invitae internal data). In summary, the currently available evidence indicates that the variant is pathogenic, but additional data are needed to prove that conclusively. Therefore, this variant has been classified as Likely Pathogenic.

Literature cited by the submitters: PubMed 25589632; PubMed 23975875; PubMed 27869827; PubMed 32964742.

NM_001267550.2(TTN):c.33012dup (p.Pro11005fs)

Gene: TTN (titin; minus strand). Cytogenetic location: 2q31.2.
Variant type: Duplication.
Coding change: c.33012dup on transcript NM_001267550.2 (MANE Select); coding-DNA position 33012, one base duplicated (A; older notation c.33012dupA).
Protein change: p.Pro11005fs; shifts the reading frame from proline 11005.
Molecular consequence: frameshift variant. On other transcripts: intron variant (3).
Genome position (GRCh38, 1-based): chr2:178,682,779, T duplicated on the plus strand (A on the coding strand, the reverse complement: TTN is on the minus strand); the first of 2 consecutive T bases (chr2:178,682,779-178,682,780); duplicating either gives the same sequence. VCF-style (leftmost placement, unchanged base first): chr2-178682778-G-GT. GRCh37 (hg19) VCF-style: chr2-179547505-G-GT.
Other names: c.32061dup, p.Pro10688fs (NM_001256850.1); c.29280dup, p.Pro9761fs (NM_133378.4); c.13283-40462dup (NM_003319.4); c.13859-40462dup (NM_133437.4); c.13658-40462dup (NM_133432.3); short protein forms P10688fs, P11005fs, P9761fs.
Identifiers: ClinVar variation 3756320 (VCV003756320.2).